The following is an entry in ClinVar:

ClinVar aggregate classification (germline): Uncertain significance (1 of 4 stars; one submission).

Conditions:
DLL1-related disorder. Also called: DLL1-related condition.

Submission:

PreventionGenetics, part of Exact Sciences
Classification: Uncertain significance for DLL1-related condition. Last evaluated: 2026-09-02. Review status: criteria provided, single submitter. Criteria: ACMG Guidelines, 2015. Collection method: clinical testing. Allele origin: germline.
Comment: The DLL1 c.800C>T variant is predicted to result in the amino acid substitution p.Thr267Ile. To our knowledge, this variant has not been reported in the literature. This variant is reported in 0.0029% of alleles in individuals of Latino descent in gnomAD. At this time, the clinical significance of this variant is uncertain due to the absence of conclusive functional and genetic evidence.

NM_005618.4(DLL1):c.800C>T (p.Thr267Ile)

Gene: DLL1 (delta like canonical Notch ligand 1; minus strand). Cytogenetic location: 6q27.
Variant type: single nucleotide variant.
Coding change: c.800C>T on transcript NM_005618.4 (MANE Select); coding-DNA position 800, C replaced by T.
Protein change: p.Thr267Ile; replaces threonine 267 with isoleucine.
Molecular consequence: missense variant.
Genome position (GRCh38, 1-based): chr6:170,285,631, G>A on the plus strand (C>T on the coding strand, the complement: DLL1 is on the minus strand). VCF-style: chr6-170285631-G-A. GRCh37 (hg19) VCF-style: chr6-170594719-G-A.
Other names: short protein forms T267I.
Identifiers: ClinVar variation 4995159 (VCV004995159.1).